The following is an entry in ClinVar:

ClinVar aggregate classification (germline): Uncertain significance (1 of 4 stars; one submission).

Conditions:
Autosomal recessive severe congenital neutropenia due to CSF3R deficiency. Also called: Neutropenia, severe congenital, 7, autosomal recessive. Identifiers: Orphanet 420702, MedGen C4310764, MONDO:0014865, OMIM 617014.

gnomAD v4.1: 44 of 1,614,120 alleles (0.0027%); highest among the groups gnomAD compares: Non-Finnish European, 0.0037%; no homozygotes.

Submission:

Labcorp Genetics (formerly Invitae), Labcorp
Classification: Uncertain significance for Autosomal recessive severe congenital neutropenia due to CSF3R deficiency. Last evaluated: 2025-11-25. Review status: criteria provided, single submitter. Criteria: Invitae Variant Classification Sherloc (09022015). Collection method: clinical testing. Allele origin: germline.
Comment: This sequence change replaces tryptophan, which is neutral and slightly polar, with cysteine, which is neutral and slightly polar, at codon 477 of the CSF3R protein (p.Trp477Cys). This variant is present in population databases (rs144323240, gnomAD 0.003%). This variant has not been reported in the literature in individuals affected with CSF3R-related conditions. Invitae Evidence Modeling of protein sequence and biophysical properties (such as structural, functional, and spatial information, amino acid conservation, physicochemical variation, residue mobility, and thermodynamic stability) indicates that this missense variant is expected to disrupt CSF3R protein function with a positive predictive value of 80%. Experimental studies have shown that this missense change does not substantially affect CSF3R function (PMID: 28652245). In summary, the available evidence is currently insufficient to determine the role of this variant in disease. Therefore, it has been classified as a Variant of Uncertain Significance.

Literature cited by the submitters: PubMed 28652245.

NM_000760.4(CSF3R):c.1431G>T (p.Trp477Cys)

Gene: CSF3R (colony stimulating factor 3 receptor; minus strand). Cytogenetic location: 1p34.3.
Variant type: single nucleotide variant.
Coding change: c.1431G>T on transcript NM_000760.4 (MANE Select); coding-DNA position 1431, G replaced by T.
Protein change: p.Trp477Cys; replaces tryptophan 477 with cysteine.
Molecular consequence: missense variant.
Genome position (GRCh38, 1-based): chr1:36,469,695, C>A on the plus strand (G>T on the coding strand, the complement: CSF3R is on the minus strand). VCF-style: chr1-36469695-C-A. GRCh37 (hg19) VCF-style: chr1-36935296-C-A.
Other names: c.1431G>T, p.Trp477Cys (NM_156039.3, NM_172313.3); short protein forms W477C.
Identifiers: ClinVar variation 4812044 (VCV004812044.1).